The following is an entry in ClinVar:

ClinVar aggregate classification (germline): Uncertain significance. Review status: reviewed by expert panel (3 of 4 stars). 3 submissions from 3 submitters: Uncertain significance (1). 2 of the submissions do not count toward it. Last evaluated 2025-06-24.

Conditions:
DICER1-related tumor predisposition. Also called: DICER1-related pleuropulmonary blastoma cancer predisposition syndrome; DICER1 syndrome. Identifiers: Orphanet 284343, MedGen C3839822, MONDO:0100216.
Hereditary cancer-predisposing syndrome. Also called: Neoplastic Syndromes, Hereditary; Hereditary Cancer Syndrome; Hereditary neoplastic syndrome; Tumor predisposition. Identifiers: Orphanet 140162, MedGen C0027672, MeSH D009386, MONDO:0015356.

Allele frequency attached by ClinVar (database versions not stated): gnomAD exomes below 0.00001; TOPMed below 0.00001.
gnomAD v4.1: 3 of 1,614,040 alleles (0.00019%); highest among the groups gnomAD compares: Non-Finnish European, 0.00025%; no homozygotes.

Submissions (3):

ClinGen DICER1 and miRNA-Processing Gene Variant Curation Expert Panel, ClinGen
Classification: Uncertain significance for DICER1-related tumor predisposition. Last evaluated: 2025-06-24. Review status: reviewed by expert panel. Criteria: ClinGen DICER1 ACMG Specifications DICER1 V1.3.0. Collection method: curation. Allele origin: germline. Inheritance: Autosomal dominant inheritance.
Comment: The NM_177438.2:c.5551C>T variant in DICER1 is a missense variant predicted to cause substitution of arginine by cysteine at amino acid 1851 (p.Arg1851Cys). This variant is absent from gnomAD v4.1.0 (PM2_Supporting). The computational predictor REVEL gives a score of 0.416, which is below the threshold of 0.5, and the splice site predictors MaxEntScan and SpliceAI indicate that the variant has no impact on splicing, evidence that does not predict a damaging effect on DICER1 function (BP4). In summary, this variant meets the criteria to be classified as Uncertain Significance for DICER1-related tumor predisposition based on the ACMG/AMP criteria applied, as specified by the ClinGen DICER1 VCEP: PM2_Supporting, BP4. (Bayesian Points: 0; VCEP specifications version 1.3.0; 06/24/2025).

Labcorp Genetics (formerly Invitae), Labcorp
Classification: Uncertain significance for DICER1-related tumor predisposition. Last evaluated: 2025-05-13. Review status: criteria provided, single submitter. Criteria: Invitae Variant Classification Sherloc (09022015). Collection method: clinical testing. Allele origin: germline. Not counted in ClinVar's aggregate classification.
Comment: This sequence change replaces arginine, which is basic and polar, with cysteine, which is neutral and slightly polar, at codon 1851 of the DICER1 protein (p.Arg1851Cys). This variant is not present in population databases (gnomAD no frequency). This variant has not been reported in the literature in individuals affected with DICER1-related conditions. ClinVar contains an entry for this variant (Variation ID: 825823). Invitae Evidence Modeling of protein sequence and biophysical properties (such as structural, functional, and spatial information, amino acid conservation, physicochemical variation, residue mobility, and thermodynamic stability) has been performed for this missense variant. However, the output from this modeling did not meet the statistical confidence thresholds required to predict the impact of this variant on DICER1 protein function. In summary, the available evidence is currently insufficient to determine the role of this variant in disease. Therefore, it has been classified as a Variant of Uncertain Significance.

Ambry Genetics
Classification: Uncertain significance for Hereditary cancer-predisposing syndrome. Last evaluated: 2024-10-29. Review status: criteria provided, single submitter. Criteria: Ambry Variant Classification Scheme 2023. Collection method: clinical testing. Allele origin: germline. Not counted in ClinVar's aggregate classification.
Comment: The p.R1851C variant (also known as c.5551C>T), located in coding exon 25 of the DICER1 gene, results from a C to T substitution at nucleotide position 5551. The arginine at codon 1851 is replaced by cysteine, an amino acid with highly dissimilar properties. This amino acid position is highly conserved in available vertebrate species. In addition, the in silico prediction for this alteration is inconclusive. Since supporting evidence is limited at this time, the clinical significance of this alteration remains unclear.

NM_177438.3(DICER1):c.5551C>T (p.Arg1851Cys)

Gene: DICER1 (dicer 1, ribonuclease III; minus strand). Cytogenetic location: 14q32.13.
Variant type: single nucleotide variant.
Coding change: c.5551C>T on transcript NM_177438.3 (MANE Select); coding-DNA position 5551, C replaced by T.
Protein change: p.Arg1851Cys; replaces arginine 1851 with cysteine.
Molecular consequence: missense variant. On other transcripts: synonymous variant (1).
Genome position (GRCh38, 1-based): chr14:95,091,086, G>A on the plus strand (C>T on the coding strand, the complement: DICER1 is on the minus strand). VCF-style: chr14-95091086-G-A. GRCh37 (hg19) VCF-style: chr14-95557423-G-A.
Other names: NM_177438.3(DICER1):c.5551C>T; p.Arg1851Cys; c.5388C>T, p.Pro1796= (NM_001195573.1); c.5551C>T, p.Arg1851Cys (NM_001271282.3, NM_001291628.2, NM_030621.4); short protein forms R1851C.
Identifiers: ClinVar variation 825823 (VCV000825823.17), dbSNP rs1595312961, ClinGen allele CA390864317.
Genomic context (GRCh38, chr14:95,091,086, plus strand): 5'-TTGCTTACCTAAATTTGGCAGTTTCTGGTTCCATTTCAAGCAATTCTCGCACAGGGGAAC[G>A]GGGTACATTTGCAGAAAACTTTTCTGCAATCAAAATGAAAGAATAATATGAATAATATCT-3'
Protein context (NP_803187.1, residues 1841-1861): LIEKFSANVP[Arg1851Cys]SPVRELLEME